The following is an entry in ClinVar:

NM_000288.4(PEX7):c.188+3A>G

Gene: PEX7 (peroxisomal biogenesis factor 7; plus strand). Cytogenetic location: 6q23.3.
Variant type: single nucleotide variant.
Coding change: c.188+3A>G on transcript NM_000288.4 (MANE Select); 3 bases into the intron after coding-DNA position 188, A replaced by G.
Molecular consequence: intron variant.
Genome position (GRCh38, 1-based): chr6:136,825,274, A>G. VCF-style: chr6-136825274-A-G. GRCh37 (hg19) VCF-style: chr6-137146412-A-G.
Other names: p.?.
Identifiers: ClinVar variation 355529 (VCV000355529.23), dbSNP rs200234391, ClinGen allele CA4017510.

ClinVar aggregate classification (germline): Uncertain significance. Review status: criteria provided, multiple submitters, no conflicts (2 of 4 stars). 12 submissions from 11 submitters: Uncertain significance (10). 2 of the submissions do not count toward it. Last evaluated 2025-01-27.

Conditions:
Intellectual disability. Also called: Intellectual developmental disorder; intellectual disabilities; Intellectual functioning disability. Identifiers: MedGen C3714756, MeSH D008607, MONDO:0001071, HP:0001249.
Peroxisome biogenesis disorder 9B. Also called: PEX7-Related Refsum Disease; Refsum disease, adult, 2; PEROXISOME BIOGENESIS DISORDER, PEX7-RELATED, ATYPICAL. Identifiers: Orphanet 773, MedGen C2749346, MONDO:0013945, OMIM 614879.
Peroxisome biogenesis disorder. Identifiers: Orphanet 79189, MedGen C1832200, MONDO:0019234. Disease mechanism: loss of function.
PEX7-related disorder. Also called: PEX7-related condition; PEX7-related disorders. Identifiers: MedGen CN239409.
Rhizomelic chondrodysplasia punctata type 1 (RCDP1). Also called: CHONDRODYSTROPHIA CALCIFICANS PUNCTATA; PEX7-Related Rhizomelic Chondrodysplasia Punctata; PEROXISOME BIOGENESIS DISORDER 9. Identifiers: Orphanet 177, Orphanet 309789, MedGen C1859133, MONDO:0008972, OMIM 215100. Disease mechanism: loss of function.

Allele frequency attached by ClinVar (database versions not stated): ExAC 0.00015; gnomAD exomes 0.00016 and 0.00029; gnomAD 0.00019; TOPMed 0.00023; ESP Exome Variant Server 0.00038; 1000 Genomes Project 0.00060; 1000 Genomes Project 30x 0.00062.
gnomAD v4.1: 446 of 1,607,916 alleles (0.028%); highest among the groups gnomAD compares: Admixed American, 0.042%; no homozygotes.

Submissions (12):

GeneDx
Classification: Uncertain significance. Last evaluated: 2025-01-27. Review status: criteria provided, single submitter. Criteria: GeneDx Variant Classification Process June 2021. Collection method: clinical testing. Allele origin: germline. Affected: yes.
Comment: Has not been previously published as pathogenic or benign to our knowledge; In silico analysis suggests this variant may impact gene splicing. In the absence of RNA/functional studies, the actual effect of this sequence change is unknown.

PreventionGenetics, part of Exact Sciences
Classification: Uncertain significance for PEX7-related condition. Last evaluated: 2024-11-15. Review status: criteria provided, single submitter. Criteria: ACMG Guidelines, 2015. Collection method: clinical testing. Allele origin: germline.
Comment: The PEX7 c.188+3A>G variant is predicted to interfere with splicing. To our knowledge, this variant has not been reported in the literature. This variant is predicted to alter splicing based on available splicing prediction programs (SpliceAI, Jaganathan et al. 2019. PubMed ID: 30661751). However, the use of computer prediction programs is not equivalent to functional evidence. This variant is reported in 0.031% of alleles in individuals of Latino descent in gnomAD. At this time, the clinical significance of this variant is uncertain due to the absence of conclusive functional and genetic evidence.

Blueprint Genetics
Classification: Uncertain significance. Last evaluated: 2024-08-26. Review status: criteria provided, single submitter. Criteria: ACMG Guidelines, 2015. Collection method: clinical testing. Allele origin: germline.

Women's Health and Genetics/Laboratory Corporation of America, LabCorp
Classification: Uncertain significance. Last evaluated: 2024-07-28. Review status: criteria provided, single submitter. Criteria: LabCorp Variant Classification Summary - May 2015. Collection method: clinical testing. Allele origin: germline.

Mayo Clinic Laboratories, Mayo Clinic
Classification: Uncertain significance. Last evaluated: 2024-04-24. Review status: criteria provided, single submitter. Criteria: ACMG Guidelines, 2015. Collection method: clinical testing. Allele origin: germline. Observed: 1 variant allele.
Comment: PM2_moderate

Department of Pathology and Laboratory Medicine, Sinai Health System
Classification: Uncertain significance for peroxisome biogenesis disorder. Last evaluated: 2022-10-03. Review status: criteria provided, single submitter. Criteria: ACMG Guidelines, 2015. Collection method: research. Allele origin: germline.

Labcorp Genetics (formerly Invitae), Labcorp
Classification: Uncertain significance for Peroxisome biogenesis disorder 9B. Last evaluated: 2022-08-23. Review status: criteria provided, single submitter. Criteria: Invitae Variant Classification Sherloc (09022015). Collection method: clinical testing. Allele origin: germline.
Comment: This sequence change falls in intron 2 of the PEX7 gene. It does not directly change the encoded amino acid sequence of the PEX7 protein. It affects a nucleotide within the consensus splice site. This variant is present in population databases (rs200234391, gnomAD 0.04%). This variant has not been reported in the literature in individuals affected with PEX7-related conditions. ClinVar contains an entry for this variant (Variation ID: 355529). Variants that disrupt the consensus splice site are a relatively common cause of aberrant splicing (PMID: 17576681, 9536098). Algorithms developed to predict the effect of sequence changes on RNA splicing suggest that this variant may create or strengthen a splice site. In summary, the available evidence is currently insufficient to determine the role of this variant in disease. Therefore, it has been classified as a Variant of Uncertain Significance.

Illumina Laboratory Services, Illumina
Classification: Uncertain significance for Rhizomelic chondrodysplasia punctata type 1. Last evaluated: 2018-01-12. Review status: criteria provided, single submitter. Criteria: ICSL Variant Classification Criteria 13 December 2019. Collection method: clinical testing. Allele origin: germline.

Illumina Laboratory Services, Illumina
Classification: Uncertain significance for Peroxisome biogenesis disorder 9B. Last evaluated: 2018-01-12. Review status: criteria provided, single submitter. Criteria: ICSL Variant Classification Criteria 13 December 2019. Collection method: clinical testing. Allele origin: germline.

Eurofins Ntd Llc (ga)
Classification: Uncertain significance. Last evaluated: 2017-11-08. Review status: criteria provided, single submitter. Criteria: EGL Classification Definitions 2015. Collection method: clinical testing. Allele origin: germline. Observed: 4 variant alleles, 4 heterozygotes.

Natera, Inc.
Classification: Uncertain significance for Rhizomelic chondrodysplasia punctata type 1. Last evaluated: 2020-10-28. Review status: no assertion criteria provided. Collection method: clinical testing. Allele origin: germline. Not counted in ClinVar's aggregate classification.

Centre de Biologie Pathologie Génétique, Centre Hospitalier Universitaire de Lille
Classification: Uncertain significance for Intellectual disability. Last evaluated: 2019-01-01. Review status: no assertion criteria provided. Collection method: clinical testing. Allele origin: unknown. Affected: yes. Not counted in ClinVar's aggregate classification.

Literature cited by the submitters: PubMed 17576681 (cited by Labcorp Genetics (formerly Invitae), Labcorp); PubMed 9536098 (cited by Labcorp Genetics (formerly Invitae), Labcorp).